The following is an entry in ClinVar:

NM_000138.5(FBN1):c.5389T>C (p.Phe1797Leu)

Gene: FBN1 (fibrillin 1; minus strand). Cytogenetic location: 15q21.1.
Variant type: single nucleotide variant.
Coding change: c.5389T>C on transcript NM_000138.5 (MANE Select); coding-DNA position 5389, T replaced by C.
Protein change: p.Phe1797Leu; replaces phenylalanine 1797 with leucine.
Molecular consequence: missense variant.
Genome position (GRCh38, 1-based): chr15:48,456,670, A>G on the plus strand (T>C on the coding strand, the complement: FBN1 is on the minus strand). VCF-style: chr15-48456670-A-G. GRCh37 (hg19) VCF-style: chr15-48748867-A-G.
Other names: c.5389T>C, p.Phe1797Leu (NM_001406716.1); short protein forms F1797L.
Identifiers: ClinVar variation 4756895 (VCV004756895.1).
Genomic context (GRCh38, chr15:48,456,670, plus strand): 5'-ATATGATAAAGTCATGATGCCACTTACCTTCACAAACCAACAACTTGTCATTATAGAAGA[A>G]TCCCACTGGACATTCACATCGGAAGCTGCCAACCATGTTGATACACACTCCATTTTCACA-3'
Protein context (NP_000129.3, residues 1787-1807): GSFRCECPVG[Phe1797Leu]FYNDKLLVCE

ClinVar aggregate classification (germline): Uncertain significance (1 of 4 stars; one submission).

Conditions:
Familial thoracic aortic aneurysm and aortic dissection (TAAD). Also called: Thoracic aortic aneurysms and dissections. Identifiers: Orphanet 91387, MedGen C4707243, MONDO:0019625.

gnomAD v4.1: 1 of 1,614,006 alleles (0.000062%); highest among the groups gnomAD compares: Non-Finnish European, 0.000085%; no homozygotes.

Submission:

Color Diagnostics, LLC DBA Color Health
Classification: Uncertain significance for Familial thoracic aortic aneurysm and aortic dissection. Last evaluated: 2025-06-23. Review status: criteria provided, single submitter. Criteria: ACMG Guidelines, 2015. Collection method: clinical testing. Allele origin: germline.
Comment: This missense variant replaces phenylalanine with leucine at codon 1797 of the FBN1 protein. Computational prediction suggests that this variant may have deleterious impact on protein structure and function. To our knowledge, functional studies have not been reported for this variant. This variant has not been reported in individuals affected with FBN1-related disorders in the literature. This variant has not been identified in the general population by the Genome Aggregation Database (gnomAD). The available evidence is insufficient to determine the role of this variant in disease conclusively. Therefore, this variant is classified as a Variant of Uncertain Significance.